The following is an entry in ClinVar:

ClinVar aggregate classification (germline): Pathogenic. Review status: criteria provided, single submitter (1 of 4 stars). 2 submissions from 2 submitters: Pathogenic (1). 1 of the submissions does not count toward it. Last evaluated 2022-12-23.

Conditions:
Xeroderma pigmentosum, group C (XPC). Also called: Xeroderma pigmentosum, complementation group C; XERODERMA PIGMENTOSUM III; XP, GROUP C; XPC-Related Xeroderma Pigmentosum. Identifiers: Orphanet 910, MedGen C2752147, MONDO:0010211, OMIM 278720.

Submissions (2):

Labcorp Genetics (formerly Invitae), Labcorp
Classification: Pathogenic. Last evaluated: 2022-12-23. Review status: criteria provided, single submitter. Criteria: Invitae Variant Classification Sherloc (09022015). Collection method: clinical testing. Allele origin: germline.
Comment: This sequence change creates a premature translational stop signal (p.Ala173Glyfs*8) in the XPC gene. It is expected to result in an absent or disrupted protein product. Loss-of-function variants in XPC are known to be pathogenic (PMID: 23173980, 25256075). This variant is not present in population databases (gnomAD no frequency). This variant has not been reported in the literature in individuals affected with XPC-related conditions. ClinVar contains an entry for this variant (Variation ID: 553705). For these reasons, this variant has been classified as Pathogenic.

Counsyl
Classification: Likely pathogenic for Xeroderma pigmentosum, group C. Last evaluated: 2017-09-05. Review status: no assertion criteria provided. Collection method: clinical testing. Allele origin: unknown. Not counted in ClinVar's aggregate classification.

Literature cited by the submitters: PubMed 23173980 (cited by Labcorp Genetics (formerly Invitae), Labcorp); PubMed 25256075 (cited by Labcorp Genetics (formerly Invitae), Labcorp).

NM_004628.5(XPC):c.515dup (p.Ala173fs)

Gene: XPC (XPC complex subunit, DNA damage recognition and repair factor; minus strand). Cytogenetic location: 3p25.1.
Variant type: Duplication.
Coding change: c.515dup on transcript NM_004628.5 (MANE Select); coding-DNA position 515, one base duplicated (A; older notation c.515dupA).
Protein change: p.Ala173fs; shifts the reading frame from alanine 173.
Molecular consequence: frameshift variant. On other transcripts: non-coding transcript variant (1), intron variant (1).
Genome position (GRCh38, 1-based): chr3:14,168,278, T duplicated on the plus strand (A on the coding strand, the reverse complement: XPC is on the minus strand). VCF-style (leftmost placement, unchanged base first): chr3-14168277-C-CT. GRCh37 (hg19) VCF-style: chr3-14209777-C-CT.
Other names: c.515dup, p.Ala173fs (NM_001354727.2, NM_001354730.2); c.497dup, p.Ala167fs (NM_001354729.2); c.515dupA (NM_004628.4); c.-43-1025dup (NM_001354726.2); short protein forms A173fs, A167fs.
Identifiers: ClinVar variation 553705 (VCV000553705.5), dbSNP rs1553607144, ClinGen allele CA658821936.
Genomic context (GRCh38, chr3:14,168,277, plus strand): 5'-TGCATGTGACAGGAGCCTAGAAGCAAGGGCCTAAGCTTACCTTCTTTCTCTTGTCTTCGC[C>CT]TGCTCTGGCGTTTCAATCTCTATCTCCACTGGCTTCACAGGCAGAAGAGATCGAGAGAAG-3'